The following is an entry in ClinVar:

NM_000548.5(TSC2):c.2355+6_2355+8del

Gene: TSC2 (TSC complex subunit 2; plus strand). Cytogenetic location: 16p13.3.
Variant type: Microsatellite.
Coding change: c.2355+6_2355+8del on transcript NM_000548.5 (MANE Select); bases 6 to 8 of the intron after coding-DNA position 2355, 3 bases deleted (AGG; older notation c.2355+6_2355+8delAGG).
Molecular consequence: intron variant.
Genome position (GRCh38, 1-based): chr16:2,072,989-2,072,991, AGG deleted; deleting any 3 consecutive bases within chr16:2,072,986-2,072,991 gives the same sequence; the c. name uses the placement nearest the transcript's 3' end. VCF-style (leftmost placement, unchanged base first): chr16-2072985-TAGG-T. GRCh37 (hg19) VCF-style: chr16-2122986-TAGG-T.
Other names: c.2355+6_2355+8del (NM_001114382.3, NM_021055.3, NM_001370405.1 and 3 more transcripts); c.2244+6_2244+8del (NM_001318827.2); c.1755+6_1755+8del (NM_001318831.2); c.2208+6_2208+8del (NM_001318829.2); c.2388+6_2388+8del (NM_001318832.2).
Identifiers: ClinVar variation 963077 (VCV000963077.9), dbSNP rs1195113840, ClinGen allele CA620375356.

ClinVar aggregate classification (germline): Uncertain significance (1 of 4 stars; one submission).

Conditions:
Tuberous sclerosis 2 (TSC2). Identifiers: Orphanet 805, MedGen C1860707, MONDO:0013199, OMIM 613254.

Submission:

Labcorp Genetics (formerly Invitae), Labcorp
Classification: Uncertain significance for Tuberous sclerosis 2. Last evaluated: 2023-05-15. Review status: criteria provided, single submitter. Criteria: Invitae Variant Classification Sherloc (09022015). Collection method: clinical testing. Allele origin: germline.
Comment: This variant has not been reported in the literature in individuals affected with TSC2-related conditions. In summary, the available evidence is currently insufficient to determine the role of this variant in disease. Therefore, it has been classified as a Variant of Uncertain Significance. Variants that disrupt the consensus splice site are a relatively common cause of aberrant splicing (PMID: 17576681, 9536098). Algorithms developed to predict the effect of sequence changes on RNA splicing suggest that this variant is not likely to affect RNA splicing. ClinVar contains an entry for this variant (Variation ID: 963077). This variant is present in population databases (no rsID available, gnomAD 0.003%). This sequence change falls in intron 21 of the TSC2 gene. It does not directly change the encoded amino acid sequence of the TSC2 protein. It affects a nucleotide within the consensus splice site.

Literature cited by the submitters: PubMed 17576681; PubMed 9536098.